The following is an entry in ClinVar:

NM_199242.3(UNC13D):c.2908A>G (p.Lys970Glu)

Genes: UNC13D (unc-13 homolog D; minus strand), LOC112533672 (Sharpr-MPRA regulatory region 1193; plus strand). Cytogenetic location: 17q25.1.
Variant type: single nucleotide variant.
Coding change: c.2908A>G on transcript NM_199242.3 (MANE Select); coding-DNA position 2908, A replaced by G.
Protein change: p.Lys970Glu; replaces lysine 970 with glutamic acid.
Molecular consequence: missense variant.
Genome position (GRCh38, 1-based): chr17:75,830,074, T>C on the plus strand (A>G on the coding strand, the complement: UNC13D is on the minus strand). VCF-style: chr17-75830074-T-C. GRCh37 (hg19) VCF-style: chr17-73826155-T-C.
Other names: short protein forms K970E.
Identifiers: ClinVar variation 944386 (VCV000944386.8), dbSNP rs2064859001, ClinGen allele CA401077994.

ClinVar aggregate classification (germline): Uncertain significance (1 of 4 stars; one submission).

Conditions:
Familial hemophagocytic lymphohistiocytosis 3 (FHL3). Also called: UNC13D-Related Familial Hemophagocytic Lymphohistiocytosis (UNC13D-fHLH). Identifiers: Orphanet 540, MedGen C1837174, MONDO:0012146, OMIM 608898.

Submission:

Labcorp Genetics (formerly Invitae), Labcorp
Classification: Uncertain significance for Familial hemophagocytic lymphohistiocytosis 3. Last evaluated: 2019-06-28. Review status: criteria provided, single submitter. Criteria: Invitae Variant Classification Sherloc (09022015). Collection method: clinical testing. Allele origin: germline.
Comment: This variant is not present in population databases (ExAC no frequency). This sequence change replaces lysine with glutamic acid at codon 970 of the UNC13D protein (p.Lys970Glu). The lysine residue is weakly conserved and there is a small physicochemical difference between lysine and glutamic acid. This variant has not been reported in the literature in individuals with UNC13D-related conditions. Algorithms developed to predict the effect of missense changes on protein structure and function (SIFT, PolyPhen-2, Align-GVGD) all suggest that this variant is likely to be tolerated, but these predictions have not been confirmed by published functional studies and their clinical significance is uncertain. In summary, the available evidence is currently insufficient to determine the role of this variant in disease. Therefore, it has been classified as a Variant of Uncertain Significance.